The following is an entry in ClinVar:

NM_001290060.2(SEMA3B):c.457G>A (p.Val153Ile)

Gene: SEMA3B (semaphorin 3B; plus strand). Cytogenetic location: 3p21.31.
Variant type: single nucleotide variant.
Coding change: c.457G>A on transcript NM_001290060.2 (MANE Select); coding-DNA position 457, G replaced by A.
Protein change: p.Val153Ile; replaces valine 153 with isoleucine.
Molecular consequence: missense variant.
Genome position (GRCh38, 1-based): chr3:50,271,094, G>A. VCF-style: chr3-50271094-G-A. GRCh37 (hg19) VCF-style: chr3-50308525-G-A.
Other names: c.457G>A, p.Val153Ile (NM_001005914.3, NM_001290061.1, NM_001435956.1 and 3 more transcripts); short protein forms V153I.
Identifiers: ClinVar variation 4985210 (VCV004985210.1).

ClinVar aggregate classification (germline): Uncertain significance (1 of 4 stars; one submission).

Conditions:
SEMA3B-related disorder. Also called: SEMA3B-related condition.

Submission:

PreventionGenetics, part of Exact Sciences
Classification: Uncertain significance for SEMA3B-related condition. Last evaluated: 2026-09-26. Review status: criteria provided, single submitter. Criteria: ACMG Guidelines, 2015. Collection method: clinical testing. Allele origin: germline.
Comment: The SEMA3B c.457G>A variant is predicted to result in the amino acid substitution p.Val153Ile. To our knowledge, this variant has not been reported in the literature. This variant is reported in 0.096% of alleles in individuals of East Asian descent in gnomAD, which is likely too common for an undocumented disease-causing variant. Although we suspect this variant is benign, at this time, the clinical significance of this variant is uncertain due to the absence of conclusive functional and genetic evidence.